The following is an entry in ClinVar:

ClinVar aggregate classification (germline): Likely benign. Review status: criteria provided, single submitter (1 of 4 stars). 2 submissions from 2 submitters: Likely benign (1). 1 of the submissions does not count toward it. Last evaluated 2025-10-01.

Conditions:
TCN2-related disorder. Also called: TCN2-related condition.
Transcobalamin II deficiency (TCN2D). Also called: TC II DEFICIENCY; TCN2 DEFICIENCY; Transcolabamin II deficiency. Identifiers: Orphanet 859, MedGen C0342701, MONDO:0010149, OMIM 275350.

Allele frequency attached by ClinVar (database versions not stated): ESP Exome Variant Server 0.00008.

Submissions (2):

Labcorp Genetics (formerly Invitae), Labcorp
Classification: Likely benign for Transcobalamin II deficiency. Last evaluated: 2025-10-01. Review status: criteria provided, single submitter. Criteria: Invitae Variant Classification Sherloc (09022015). Collection method: clinical testing. Allele origin: germline.

PreventionGenetics, part of Exact Sciences
Classification: Likely benign for TCN2-related condition. Last evaluated: 2024-01-08. Review status: no assertion criteria provided. Collection method: clinical testing. Allele origin: germline. Not counted in ClinVar's aggregate classification.
Comment: This variant is classified as likely benign based on ACMG/AMP sequence variant interpretation guidelines (Richards et al. 2015 PMID: 25741868, with internal and published modifications).

NM_000355.4(TCN2):c.720T>C (p.Phe240=)

Gene: TCN2 (transcobalamin 2; plus strand). Cytogenetic location: 22q12.2.
Variant type: single nucleotide variant.
Coding change: c.720T>C on transcript NM_000355.4 (MANE Select); coding-DNA position 720, T replaced by C.
Protein change: p.Phe240=; no amino-acid change (phenylalanine 240 retained).
Molecular consequence: synonymous variant.
Genome position (GRCh38, 1-based): chr22:30,615,440, T>C. VCF-style: chr22-30615440-T-C. GRCh37 (hg19) VCF-style: chr22-31011427-T-C.
Other names: c.639T>C, p.Phe213= (NM_001184726.2); c.720T>C (NM_000355.3).
Identifiers: ClinVar variation 1605874 (VCV001605874.10), dbSNP rs368425204, ClinGen allele CA10184789.
Genomic context (GRCh38, chr22:30,615,440, plus strand): 5'-CATGGCCATCAGAACAGTGCGAGAGGAGATCTTGAAGGCCCAGACCCCCGAGGGCCACTT[T>C]GGGAATGTCTACAGCACCCCATTGGCATTACAGGTGGGAAAGAGACCCTGGAGCCATGGC-3'
Protein context (NP_000346.2, residues 230-250): ILKAQTPEGH[Phe240=]GNVYSTPLAL